The following is an entry in ClinVar:

ClinVar aggregate classification (germline): Uncertain significance. Review status: criteria provided, multiple submitters, no conflicts (2 of 4 stars). 2 submissions from 2 submitters: Uncertain significance (2). Last evaluated 2024-09-09.

Conditions:
Hereditary cancer-predisposing syndrome. Also called: Hereditary Cancer Syndrome; Neoplastic Syndromes, Hereditary; Hereditary neoplastic syndrome; Tumor predisposition. Identifiers: Orphanet 140162, MedGen C0027672, MeSH D009386, MONDO:0015356.

Allele frequency attached by ClinVar (database versions not stated): gnomAD exomes 0.00001.
gnomAD v4.1: 8 of 1,613,454 alleles (0.0005%); highest among the groups gnomAD compares: Middle Eastern, 0.017%; no homozygotes.

Submissions (2):

Ambry Genetics
Classification: Uncertain significance for Hereditary cancer-predisposing syndrome. Last evaluated: 2024-09-09. Review status: criteria provided, single submitter. Criteria: Ambry Variant Classification Scheme 2023. Collection method: clinical testing. Allele origin: germline.
Comment: The p.D822H variant (also known as c.2464G>C), located in coding exon 15 of the RAD50 gene, results from a G to C substitution at nucleotide position 2464. The aspartic acid at codon 822 is replaced by histidine, an amino acid with similar properties. This amino acid position is poorly conserved in available vertebrate species. In addition, this alteration is predicted to be tolerated by in silico analysis. Since supporting evidence is limited at this time, the clinical significance of this alteration remains unclear.

Labcorp Genetics (formerly Invitae), Labcorp
Classification: Uncertain significance for Hereditary cancer-predisposing syndrome. Last evaluated: 2024-08-28. Review status: criteria provided, single submitter. Criteria: Invitae Variant Classification Sherloc (09022015). Collection method: clinical testing. Allele origin: germline.
Comment: This sequence change replaces aspartic acid, which is acidic and polar, with histidine, which is basic and polar, at codon 822 of the RAD50 protein (p.Asp822His). This variant is not present in population databases (gnomAD no frequency). This variant has not been reported in the literature in individuals affected with RAD50-related conditions. ClinVar contains an entry for this variant (Variation ID: 142494). Invitae Evidence Modeling of protein sequence and biophysical properties (such as structural, functional, and spatial information, amino acid conservation, physicochemical variation, residue mobility, and thermodynamic stability) indicates that this missense variant is not expected to disrupt RAD50 protein function with a negative predictive value of 80%. In summary, the available evidence is currently insufficient to determine the role of this variant in disease. Therefore, it has been classified as a Variant of Uncertain Significance.

NM_005732.4(RAD50):c.2464G>C (p.Asp822His)

Gene: RAD50 (RAD50 double strand break repair protein; plus strand). Cytogenetic location: 5q31.1.
Variant type: single nucleotide variant.
Coding change: c.2464G>C on transcript NM_005732.4 (MANE Select); coding-DNA position 2464, G replaced by C.
Protein change: p.Asp822His; replaces aspartic acid 822 with histidine.
Molecular consequence: missense variant.
Genome position (GRCh38, 1-based): chr5:132,603,986, G>C. VCF-style: chr5-132603986-G-C. GRCh37 (hg19) VCF-style: chr5-131939678-G-C.
Other names: short protein forms D822H.
Identifiers: ClinVar variation 142494 (VCV000142494.15), dbSNP rs587782501, ClinGen allele CA168519.